The following is an entry in ClinVar:

NM_000238.4(KCNH2):c.1001C>T (p.Pro334Leu)

Gene: KCNH2 (potassium voltage-gated channel subfamily H member 2; minus strand). Cytogenetic location: 7q36.1.
Variant type: single nucleotide variant.
Coding change: c.1001C>T on transcript NM_000238.4 (MANE Select); coding-DNA position 1001, C replaced by T.
Protein change: p.Pro334Leu; replaces proline 334 with leucine.
Molecular consequence: missense variant.
Genome position (GRCh38, 1-based): chr7:150,957,418, G>A on the plus strand (C>T on the coding strand, the complement: KCNH2 is on the minus strand). VCF-style: chr7-150957418-G-A. GRCh37 (hg19) VCF-style: chr7-150654506-G-A.
Other names: p.P334L:CCC>CTC; c.1001C>T (LRG_288t1); c.713C>T, p.Pro238Leu (NM_001406753.1, NM_001406756.1); c.824C>T, p.Pro275Leu (NM_001406755.1); c.701C>T, p.Pro234Leu (NM_001406757.1); c.1001C>T, p.Pro334Leu (NM_172056.3); short protein forms P334L, P234L, P238L, P275L.
Identifiers: ClinVar variation 67161 (VCV000067161.10), dbSNP rs199472888, ClinGen allele CA004159.

ClinVar aggregate classification (germline): Conflicting classifications of pathogenicity. Review status: criteria provided, conflicting classifications (1 of 4 stars). 3 submissions from 3 submitters: Pathogenic (1); Uncertain significance (1). 1 of the submissions does not count toward it. Last evaluated 2021-12-10.

Conditions:
Familial long QT syndrome (RWS). Also called: Congenital long QT syndrome; Romano-Ward syndrome; VENTRICULAR FIBRILLATION WITH PROLONGED QT INTERVAL. Identifiers: Orphanet 768, MedGen C1141890, MONDO:0019171.
Long QT syndrome (LQTS). Identifiers: MedGen C0023976, MeSH D008133, MONDO:0002442. Disease mechanism: loss of function. Inheritance: Various modes of inheritance.

Submissions (3):

Labcorp Genetics (formerly Invitae), Labcorp
Classification: Uncertain significance for Long QT syndrome. Last evaluated: 2021-12-10. Review status: criteria provided, single submitter. Criteria: Invitae Variant Classification Sherloc (09022015). Collection method: clinical testing. Allele origin: germline.
Comment: This sequence change replaces proline, which is neutral and non-polar, with leucine, which is neutral and non-polar, at codon 334 of the KCNH2 protein (p.Pro334Leu). This variant is not present in population databases (gnomAD no frequency). This missense change has been observed in individuals with clinical features of long QT syndrome (PMID: 11222472, 17088455, 32383558; Invitae). ClinVar contains an entry for this variant (Variation ID: 67161). Algorithms developed to predict the effect of missense changes on protein structure and function are either unavailable or do not agree on the potential impact of this missense change (SIFT: "Tolerated"; PolyPhen-2: "Probably Damaging"; Align-GVGD: "Class C0"). In summary, the available evidence is currently insufficient to determine the role of this variant in disease. Therefore, it has been classified as a Variant of Uncertain Significance.

GeneDx
Classification: Pathogenic. Last evaluated: 2014-07-15. Review status: criteria provided, single submitter. Criteria: GeneDx Variant Classification (06012015). Collection method: clinical testing. Allele origin: germline. Affected: yes.
Comment: p.Pro334Leu (CCC>CTC): c.1001 C>T in exon 5 of the KCNH2 gene (NM_000238.2). The P334L variant in the KCNH2 gene has been reported in association with LQTS (Lupoglazoff et al., 2001; Imboden et al., 2006). The P334L was identified as a novel mutation in 1 out of 57 affected individual with LQTS, and was absent from 150 control chromosomes (Lupoglazoff et al., 2001). Additionally, of the 240 families of European ancestry with LQTS studied by Imoboden et al., 2006, one family was reported to harbor the P334L mutation. The P334L variant is a semi-conservative amino acid substitution, which may impact secondary protein structure as these residues differ in some properties. This substitution occurs at a position that is conserved across species. In silico analysis predicts this variant is probably damaging to the protein structure/function. Missense mutations in nearby residues (R328C, D342V) have been reported in association with LQTS, supporting the functional importance of this region of the protein. Furthermore, the P334L variant was not observed in approximately 6,500 individuals of European and African American ancestry in the NHLBI Exome Sequencing Project, indicating it is not a common benign variant in these populations. In summary, P334L in the KCNH2 gene is interpreted as a disease-causing mutation. The variant is found in LQT panel(s).

Cardiovascular Biomedical Research Unit, Royal Brompton & Harefield NHS Foundation Trust
No classification provided. Condition: Familial long QT syndrome. Review status: no classification provided. Collection method: literature only. Allele origin: germline. Not counted in ClinVar's aggregate classification.
Comment: This variant has been reported as associated with Long QT syndrome in the following publications (PMID:11222472). This is a literature report, and does not necessarily reflect the clinical interpretation of the Imperial College / Royal Brompton Cardiovascular Genetics laboratory.

Literature cited by the submitters: PubMed 11222472 (cited by Labcorp Genetics (formerly Invitae), Labcorp and Cardiovascular Biomedical Research Unit, Royal Brompton & Harefield NHS Foundation Trust); PubMed 17088455 (cited by Labcorp Genetics (formerly Invitae), Labcorp); PubMed 32383558 (cited by Labcorp Genetics (formerly Invitae), Labcorp); PubMed 22581653 (cited by Cardiovascular Biomedical Research Unit, Royal Brompton & Harefield NHS Foundation Trust).